The following is an entry in ClinVar:

NM_001374259.2(IL12RB2):c.692G>A (p.Arg231Lys)

Gene: IL12RB2 (interleukin 12 receptor subunit beta 2; plus strand). Cytogenetic location: 1p31.3.
Variant type: single nucleotide variant.
Coding change: c.692G>A on transcript NM_001374259.2 (MANE Select); coding-DNA position 692, G replaced by A.
Protein change: p.Arg231Lys; replaces arginine 231 with lysine.
Molecular consequence: missense variant. On other transcripts: non-coding transcript variant (2).
Genome position (GRCh38, 1-based): chr1:67,329,614, G>A. VCF-style: chr1-67329614-G-A. GRCh37 (hg19) VCF-style: chr1-67795297-G-A.
Other names: c.692G>A, p.Arg231Lys (NM_001258214.1, NM_001258215.1, NM_001258216.1 and 2 more transcripts); short protein forms R231K.
Identifiers: ClinVar variation 1463029 (VCV001463029.6), dbSNP rs1558307004, ClinGen allele CA340733674.
Genomic context (GRCh38, chr1:67,329,614, plus strand): 5'-GAACCACACTTTTTTGTTTGTCCTGGTTACTAGTGAGGCCTCTTCCTCCGTGGGACATTA[G>A]AATCAAATTTCAAAAGGCTTCTGTGAGCAGATGTACCCTTTATTGGAGAGATGAGGGACT-3'
Protein context (NP_001361188.1, residues 221-241): IVRPLPPWDI[Arg231Lys]IKFQKASVSR

ClinVar aggregate classification (germline): Uncertain significance (1 of 4 stars; one submission).

Submission:

Labcorp Genetics (formerly Invitae), Labcorp
Classification: Uncertain significance. Last evaluated: 2021-09-07. Review status: criteria provided, single submitter. Criteria: Invitae Variant Classification Sherloc (09022015). Collection method: clinical testing. Allele origin: germline.
Comment: This variant is not present in population databases (ExAC no frequency). This variant has not been reported in the literature in individuals affected with IL12RB2-related conditions. Algorithms developed to predict the effect of missense changes on protein structure and function output the following: SIFT: "Tolerated"; PolyPhen-2: "Benign"; Align-GVGD: "Class C0". The lysine amino acid residue is found in multiple mammalian species, which suggests that this missense change does not adversely affect protein function. In summary, the available evidence is currently insufficient to determine the role of this variant in disease. Therefore, it has been classified as a Variant of Uncertain Significance. This sequence change replaces arginine with lysine at codon 231 of the IL12RB2 protein (p.Arg231Lys). The arginine residue is moderately conserved and there is a small physicochemical difference between arginine and lysine.